The following is an entry in ClinVar:

NM_015272.5(RPGRIP1L):c.632+16del

Gene: RPGRIP1L (RPGRIP1 like; minus strand). Cytogenetic location: 16q12.2.
Variant type: Deletion.
Coding change: c.632+16del on transcript NM_015272.5 (MANE Select); 16 bases into the intron after coding-DNA position 632, one base deleted (T; older notation c.632+16delT).
Molecular consequence: intron variant.
Genome position (GRCh38, 1-based): chr16:53,687,847, A deleted on the plus strand (T on the coding strand, the reverse complement: RPGRIP1L is on the minus strand); the first of 6 consecutive A bases (chr16:53,687,847-53,687,852); deleting any one gives the same sequence. VCF-style (leftmost placement, unchanged base first): chr16-53687846-CA-C. GRCh37 (hg19) VCF-style: chr16-53721758-CA-C.
Other names: c.632+16del (NM_001127897.4, NM_001330538.2, NM_001308334.3); c.632+16delT (NM_015272.2).
Identifiers: ClinVar variation 260610 (VCV000260610.12), dbSNP rs559978421, ClinGen allele CA8058070.

ClinVar aggregate classification (germline): Benign/Likely benign. Review status: criteria provided, multiple submitters, no conflicts (2 of 4 stars). 4 submissions from 4 submitters: Benign (2); Likely benign (2). Last evaluated 2026-01-31.

Conditions:
Joubert syndrome. Also called: Familial aplasia of the vermis; JOUBERT-BOLTSHAUSER SYNDROME. Identifiers: Orphanet 475, MedGen C5979921, MONDO:0018772.
Meckel-Gruber syndrome. Also called: DYSENCEPHALIA SPLANCHNOCYSTICA; Dysencephalia splachnocystica; GRUBER SYNDROME. Identifiers: Orphanet 564, MedGen C0265215, MONDO:0018921.

Submissions (4):

Labcorp Genetics (formerly Invitae), Labcorp
Classification: Benign for Joubert syndrome; Meckel-Gruber syndrome. Last evaluated: 2026-01-31. Review status: criteria provided, single submitter. Criteria: Invitae Variant Classification Sherloc (09022015). Collection method: clinical testing. Allele origin: germline.

Blueprint Genetics
Classification: Likely benign. Last evaluated: 2024-11-21. Review status: criteria provided, single submitter. Criteria: ACMG Guidelines, 2015. Collection method: clinical testing. Allele origin: germline.

GeneDx
Classification: Benign. Last evaluated: 2015-04-30. Review status: criteria provided, single submitter. Criteria: GeneDx Variant Classification (06012015). Collection method: clinical testing. Allele origin: germline. Affected: yes.
Comment: This variant is considered likely benign or benign based on one or more of the following criteria: it is a conservative change, it occurs at a poorly conserved position in the protein, it is predicted to be benign by multiple in silico algorithms, and/or has population frequency not consistent with disease.

PreventionGenetics, part of Exact Sciences
Classification: Likely benign. Review status: criteria provided, single submitter. Criteria: ACMG Guidelines, 2015. Collection method: clinical testing. Allele origin: germline.